The following is an entry in ClinVar:

ClinVar aggregate classification (germline): Uncertain significance (1 of 4 stars; one submission).

Conditions:
Fanconi anemia (FA). Also called: Fanconi's anemia. Identifiers: Orphanet 84, MedGen C0015625, MeSH D005199, MONDO:0019391.

gnomAD v4.1: 2 of 1,614,134 alleles (0.00012%); highest among the groups gnomAD compares: South Asian, 0.0022%; no homozygotes.

Submission:

Labcorp Genetics (formerly Invitae), Labcorp
Classification: Uncertain significance for Fanconi anemia. Last evaluated: 2024-07-15. Review status: criteria provided, single submitter. Criteria: Invitae Variant Classification Sherloc (09022015). Collection method: clinical testing. Allele origin: germline.
Comment: This sequence change replaces lysine, which is basic and polar, with arginine, which is basic and polar, at codon 1158 of the FANCA protein (p.Lys1158Arg). This variant is present in population databases (rs774318115, gnomAD 0.003%). This variant has not been reported in the literature in individuals affected with FANCA-related conditions. Advanced modeling of protein sequence and biophysical properties (such as structural, functional, and spatial information, amino acid conservation, physicochemical variation, residue mobility, and thermodynamic stability) performed at Invitae indicates that this missense variant is not expected to disrupt FANCA protein function with a negative predictive value of 80%. Algorithms developed to predict the effect of sequence changes on RNA splicing suggest that this variant may disrupt the consensus splice site. In summary, the available evidence is currently insufficient to determine the role of this variant in disease. Therefore, it has been classified as a Variant of Uncertain Significance.

NM_000135.4(FANCA):c.3473A>G (p.Lys1158Arg)

Gene: FANCA (FA complementation group A; minus strand). Cytogenetic location: 16q24.3.
Variant type: single nucleotide variant.
Coding change: c.3473A>G on transcript NM_000135.4 (MANE Select); coding-DNA position 3473, A replaced by G.
Protein change: p.Lys1158Arg; replaces lysine 1158 with arginine.
Molecular consequence: missense variant.
Genome position (GRCh38, 1-based): chr16:89,746,624, T>C on the plus strand (A>G on the coding strand, the complement: FANCA is on the minus strand). VCF-style: chr16-89746624-T-C. GRCh37 (hg19) VCF-style: chr16-89813032-T-C.
Other names: c.3473A>G, p.Lys1158Arg (NM_001286167.3); short protein forms K1158R.
Identifiers: ClinVar variation 3620348 (VCV003620348.2).
Genomic context (GRCh38, chr16:89,746,624, plus strand): 5'-AAACAAGACAGCTGACCCACCAGAGCAGAGGTCAAAATTAAGGGGCATTTCGTCTGGCAC[T>C]TGGCCAGTATGAAGTCGACCATCAGGGAGGGGTCTCTGCTCCGCAGACAGGCGTTCAGGA-3'
Protein context (NP_000126.2, residues 1148-1168): PSLMVDFILA[Lys1158Arg]CQTKCPLILT